The following is an entry in ClinVar:

ClinVar aggregate classification (germline): Uncertain significance. Review status: criteria provided, multiple submitters, no conflicts (2 of 4 stars). 2 submissions from 2 submitters: Uncertain significance (2). Last evaluated 2022-08-19.

Conditions:
Hyperphosphatasia with impaired intellectual development syndrome 2. Also called: Hyperphosphatasia with intellectual disability syndrome 2; GLYCOSYLPHOSPHATIDYLINOSITOL BIOSYNTHESIS DEFECT 6. Identifiers: Orphanet 247262, MedGen C3553637, MONDO:0013882, OMIM 614749.

Allele frequency attached by ClinVar (database versions not stated): TOPMed 0.00002; ESP Exome Variant Server 0.00008.
gnomAD v4.1: 7 of 1,614,028 alleles (0.00043%); highest among the groups gnomAD compares: African/African-American, 0.0093%; no homozygotes.

Submissions (2):

GeneDx
Classification: Uncertain significance. Last evaluated: 2022-08-19. Review status: criteria provided, single submitter. Criteria: GeneDx Variant Classification Process June 2021. Collection method: clinical testing. Allele origin: germline. Affected: yes.
Comment: Not observed at significant frequency in large population cohorts (gnomAD); In silico analysis supports that this missense variant does not alter protein structure/function; Has not been previously published as pathogenic or benign to our knowledge

Labcorp Genetics (formerly Invitae), Labcorp
Classification: Uncertain significance for Hyperphosphatasia with impaired intellectual development syndrome 2. Last evaluated: 2022-06-13. Review status: criteria provided, single submitter. Criteria: Invitae Variant Classification Sherloc (09022015). Collection method: clinical testing. Allele origin: germline.
Comment: In summary, the available evidence is currently insufficient to determine the role of this variant in disease. Therefore, it has been classified as a Variant of Uncertain Significance. Algorithms developed to predict the effect of missense changes on protein structure and function (SIFT, PolyPhen-2, Align-GVGD) all suggest that this variant is likely to be tolerated. This variant has not been reported in the literature in individuals affected with PIGO-related conditions. This variant is not present in population databases (gnomAD no frequency). This sequence change replaces arginine, which is basic and polar, with glycine, which is neutral and non-polar, at codon 811 of the PIGO protein (p.Arg811Gly).

NM_032634.4(PIGO):c.2431C>G (p.Arg811Gly)

Gene: PIGO (phosphatidylinositol glycan anchor biosynthesis class O; minus strand). Cytogenetic location: 9p13.3.
Variant type: single nucleotide variant.
Coding change: c.2431C>G on transcript NM_032634.4 (MANE Select); coding-DNA position 2431, C replaced by G.
Protein change: p.Arg811Gly; replaces arginine 811 with glycine.
Molecular consequence: missense variant. On other transcripts: intron variant (2).
Genome position (GRCh38, 1-based): chr9:35,091,456, G>C on the plus strand (C>G on the coding strand, the complement: PIGO is on the minus strand). VCF-style: chr9-35091456-G-C. GRCh37 (hg19) VCF-style: chr9-35091453-G-C.
Other names: c.2431C>G (NM_032634.3); c.1345-165C>G (NM_152850.4, NM_001201484.2); short protein forms R811G.
Identifiers: ClinVar variation 1501030 (VCV001501030.7), dbSNP rs140470862, ClinGen allele CA192709834.